The following is an entry in ClinVar:

NM_203447.4(DOCK8):c.3633C>T (p.Ile1211=)

Gene: DOCK8 (dedicator of cytokinesis 8; plus strand). Cytogenetic location: 9p24.3.
Variant type: single nucleotide variant.
Coding change: c.3633C>T on transcript NM_203447.4 (MANE Select); coding-DNA position 3633, C replaced by T.
Protein change: p.Ile1211=; no amino-acid change (isoleucine 1211 retained).
Molecular consequence: synonymous variant.
Genome position (GRCh38, 1-based): chr9:414,884, C>T. VCF-style: chr9-414884-C-T. GRCh37 (hg19) VCF-style: chr9-414884-C-T.
Other names: c.3333C>T, p.Ile1111= (NM_001190458.2); c.3429C>T, p.Ile1143= (NM_001193536.2).
Identifiers: ClinVar variation 1598022 (VCV001598022.29), dbSNP rs372601035, ClinGen allele CA4958764.

ClinVar aggregate classification (germline): Likely benign. Review status: criteria provided, multiple submitters, no conflicts (2 of 4 stars). 3 submissions from 3 submitters: Likely benign (3). Last evaluated 2026-01-28.

Conditions:
Combined immunodeficiency due to DOCK8 deficiency (HIES2). Also called: DOCK8 Deficiency; HYPER-IgE SYNDROME 2, AUTOSOMAL RECESSIVE, WITH RECURRENT INFECTIONS; HIES autosomal recessive; Hyper-IgE recurrent infection syndrome, autosomal recessive; HYPER-IgE RECURRENT INFECTION SYNDROME 2, AUTOSOMAL RECESSIVE. Identifiers: Orphanet 217390, MedGen C4722305, MONDO:0009478, OMIM 243700.

Allele frequency attached by ClinVar (database versions not stated): gnomAD 0.00001; gnomAD exomes 0.00003 and 0.00004; TOPMed 0.00003; ExAC 0.00004; ESP Exome Variant Server 0.00015.
gnomAD v4.1: 61 of 1,614,096 alleles (0.0038%); highest among the groups gnomAD compares: East Asian, 0.0067%; no homozygotes.

Submissions (3):

Labcorp Genetics (formerly Invitae), Labcorp
Classification: Likely benign for Combined immunodeficiency due to DOCK8 deficiency. Last evaluated: 2026-01-28. Review status: criteria provided, single submitter. Criteria: Invitae Variant Classification Sherloc (09022015). Collection method: clinical testing. Allele origin: germline.

CeGaT Center for Human Genetics Tuebingen
Classification: Likely benign. Last evaluated: 2024-03-01. Review status: criteria provided, single submitter. Criteria: CeGaT Center For Human Genetics Tuebingen Variant Classification Criteria Version 2. Collection method: clinical testing. Allele origin: germline. Affected: yes. Observed: 1 variant allele.
Comment: DOCK8: BP4, BP7

Blueprint Genetics
Classification: Likely benign. Last evaluated: 2023-10-20. Review status: criteria provided, single submitter. Criteria: ACMG Guidelines, 2015. Collection method: clinical testing. Allele origin: germline.